The following is an entry in ClinVar:

ClinVar aggregate classification (germline): Uncertain significance (1 of 4 stars; one submission).

Allele frequency attached by ClinVar (database versions not stated): gnomAD exomes below 0.00001; TOPMed below 0.00001; ExAC 0.00001.
gnomAD v4.1: 1 of 1,614,202 alleles (0.000062%); highest among the groups gnomAD compares: Admixed American, 0.0017%; no homozygotes.

Submission:

Labcorp Genetics (formerly Invitae), Labcorp
Classification: Uncertain significance. Last evaluated: 2022-04-16. Review status: criteria provided, single submitter. Criteria: Invitae Variant Classification Sherloc (09022015). Collection method: clinical testing. Allele origin: germline.
Comment: This sequence change replaces proline, which is neutral and non-polar, with histidine, which is basic and polar, at codon 541 of the USH1C protein (p.Pro541His). This variant is present in population databases (rs754015985, gnomAD 0.003%). This variant has not been reported in the literature in individuals affected with USH1C-related conditions. Algorithms developed to predict the effect of missense changes on protein structure and function are either unavailable or do not agree on the potential impact of this missense change (SIFT: "Deleterious"; PolyPhen-2: "Probably Damaging"; Align-GVGD: "Class C0"). In summary, the available evidence is currently insufficient to determine the role of this variant in disease. Therefore, it has been classified as a Variant of Uncertain Significance.

NM_153676.4(USH1C):c.2522C>A (p.Pro841His)

Gene: USH1C (USH1 protein network component harmonin; minus strand). Cytogenetic location: 11p15.1.
Variant type: single nucleotide variant.
Coding change: c.2522C>A on transcript NM_153676.4 (MANE Select); coding-DNA position 2522, C replaced by A.
Protein change: p.Pro841His; replaces proline 841 with histidine.
Molecular consequence: missense variant. On other transcripts: non-coding transcript variant (1).
Genome position (GRCh38, 1-based): chr11:17,496,782, G>T on the plus strand (C>A on the coding strand, the complement: USH1C is on the minus strand). VCF-style: chr11-17496782-G-T. GRCh37 (hg19) VCF-style: chr11-17518329-G-T.
Other names: c.1565C>A, p.Pro522His (NM_001297764.2); c.1622C>A, p.Pro541His (NM_005709.4); short protein forms P541H, P522H, P841H.
Identifiers: ClinVar variation 1440197 (VCV001440197.5), dbSNP rs754015985, ClinGen allele CA5904121.
Genomic context (GRCh38, chr11:17,496,782, plus strand): 5'-GAAGAGGTCTCAGGCTAGGTGCTTGCACACACTTACAGCTCATCGTCATACTCCTTTGGG[G>T]GGCAGACGGCAACCACAAGGTCGATCCAGTCCTGTGGGGAGAAGCCGTGTGACTCTGGGG-3'
Protein context (NP_710142.1, residues 831-851): DWIDLVVAVC[Pro841His]PKEYDDELAS